The following is an entry in ClinVar:

NM_000051.4(ATM):c.8852T>A (p.Val2951Asp)

Genes: ATM (ATM serine/threonine kinase; plus strand), C11orf65 (chromosome 11 open reading frame 65; minus strand). Cytogenetic location: 11q22.3.
Variant type: single nucleotide variant.
Coding change: c.8852T>A on transcript NM_000051.4 (MANE Select); coding-DNA position 8852, T replaced by A.
Protein change: p.Val2951Asp; replaces valine 2951 with aspartic acid.
Molecular consequence: missense variant. On other transcripts: intron variant (2).
Genome position (GRCh38, 1-based): chr11:108,365,083, T>A. VCF-style: chr11-108365083-T-A. GRCh37 (hg19) VCF-style: chr11-108235810-T-A.
Other names: c.8852T>A, p.Val2951Asp (NM_001351834.2); c.640+20837A>T (NM_001330368.2); c.694+20837A>T (NM_001351110.2); short protein forms V2951D.
Identifiers: ClinVar variation 2861069 (VCV002861069.3), dbSNP rs2137869300, ClinGen allele CA382529532.

ClinVar aggregate classification (germline): Uncertain significance (1 of 4 stars; one submission).

Conditions:
Ataxia-telangiectasia syndrome (AT). Also called: ATAXIA-TELANGIECTASIA, COMPLEMENTATION GROUP A; ATAXIA-TELANGIECTASIA, FRESNO VARIANT; Ataxia-telangiectasia; Ataxia-telangiectasia, complementation group E; LOUIS-BAR SYNDROME; Cerebello-oculocutaneous telangiectasia. Identifiers: Orphanet 100, MedGen C0004135, MONDO:0008840, OMIM 208900.

Submission:

Labcorp Genetics (formerly Invitae), Labcorp
Classification: Uncertain significance for Ataxia-telangiectasia syndrome. Last evaluated: 2023-05-01. Review status: criteria provided, single submitter. Criteria: Invitae Variant Classification Sherloc (09022015). Collection method: clinical testing. Allele origin: germline.
Comment: This sequence change replaces valine, which is neutral and non-polar, with aspartic acid, which is acidic and polar, at codon 2951 of the ATM protein (p.Val2951Asp). This variant is not present in population databases (gnomAD no frequency). This variant has not been reported in the literature in individuals affected with ATM-related conditions. An algorithm developed to predict the effect of missense changes on protein structure and function (PolyPhen-2) suggests that this variant is likely to be disruptive. In summary, the available evidence is currently insufficient to determine the role of this variant in disease. Therefore, it has been classified as a Variant of Uncertain Significance.